The following is an entry in ClinVar:

ClinVar aggregate classification (germline): Pathogenic. Review status: criteria provided, multiple submitters, no conflicts (2 of 4 stars). 2 submissions from 2 submitters: Pathogenic (2). Last evaluated 2025-02-17.

Conditions:
Neurofibromatosis, type 1 (NF1). Also called: Neurofibromatosis, type I; VON RECKLINGHAUSEN DISEASE; NEUROFIBROMATOSIS, TYPE I, SOMATIC; Peripheral type neurofibromatosis. Identifiers: Orphanet 636, MedGen C0027831, MONDO:0018975, OMIM 162200. Disease mechanism: loss of function.

Submissions (2):

Labcorp Genetics (formerly Invitae), Labcorp
Classification: Pathogenic for Neurofibromatosis, type 1. Last evaluated: 2025-02-17. Review status: criteria provided, single submitter. Criteria: Invitae Variant Classification Sherloc (09022015). Collection method: clinical testing. Allele origin: germline.
Comment: This sequence change creates a premature translational stop signal (p.Phe199Leufs*6) in the NF1 gene. It is expected to result in an absent or disrupted protein product. Loss-of-function variants in NF1 are known to be pathogenic (PMID: 10712197, 23913538). This variant is not present in population databases (gnomAD no frequency). This variant has not been reported in the literature in individuals affected with NF1-related conditions. For these reasons, this variant has been classified as Pathogenic.

Juno Genomics, Hangzhou Juno Genomics, Inc
Classification: Pathogenic for Neurofibromatosis, type 1. Review status: criteria provided, single submitter. Criteria: ACMG Guidelines, 2015. Collection method: clinical testing. Allele origin: germline.
Comment: Absent from controls (or at extremely low frequency if recessive) in Genome Aggregation Database.;Null variant in a gene where loss of function (LOF) is a known mechanism of disease.;Patient's phenotype or family history is highly specific for a disease with a single genetic etiology.

Literature cited by the submitters: PubMed 10712197 (cited by Labcorp Genetics (formerly Invitae), Labcorp); PubMed 23913538 (cited by Labcorp Genetics (formerly Invitae), Labcorp).

NM_001042492.3(NF1):c.597del (p.Phe199fs)

Gene: NF1 (neurofibromin 1; plus strand). Cytogenetic location: 17q11.2.
Variant type: Deletion.
Coding change: c.597del on transcript NM_001042492.3 (MANE Select); coding-DNA position 597, one base deleted (T; older notation c.597delT).
Protein change: p.Phe199fs; shifts the reading frame from phenylalanine 199.
Molecular consequence: frameshift variant.
Genome position (GRCh38, 1-based): chr17:31,181,432, T deleted; the last of 3 consecutive T bases (chr17:31,181,430-31,181,432); deleting any one gives the same sequence. VCF-style (leftmost placement, unchanged base first): chr17-31181429-AT-A. GRCh37 (hg19) VCF-style: chr17-29508447-AT-A.
Other names: c.597delT, p.Phe199Leufs (NM_000267.4); c.597del, p.Phe199fs (NM_001128147.3); short protein forms F199fs.
Identifiers: ClinVar variation 3663777 (VCV003663777.4).